The following is an entry in ClinVar:

NM_002087.4(GRN):c.817A>G (p.Lys273Glu)

Gene: GRN (granulin precursor; plus strand). Cytogenetic location: 17q21.31.
Variant type: single nucleotide variant.
Coding change: c.817A>G on transcript NM_002087.4 (MANE Select); coding-DNA position 817, A replaced by G.
Protein change: p.Lys273Glu; replaces lysine 273 with glutamic acid.
Molecular consequence: missense variant.
Genome position (GRCh38, 1-based): chr17:44,351,145, A>G. VCF-style: chr17-44351145-A-G. GRCh37 (hg19) VCF-style: chr17-42428513-A-G.
Other names: short protein forms K273E.
Identifiers: ClinVar variation 1952269 (VCV001952269.6), dbSNP rs775409489, ClinGen allele CA8602018.

ClinVar aggregate classification (germline): Uncertain significance. Review status: criteria provided, multiple submitters, no conflicts (2 of 4 stars). 2 submissions from 2 submitters: Uncertain significance (2). Last evaluated 2025-05-27.

Conditions:
Neuronal ceroid lipofuscinosis 11. Also called: GRN-Related Neuronal Ceroid-Lipofuscinosis. Identifiers: Orphanet 314629, Orphanet 79262, MedGen C3539123, MONDO:0013866, OMIM 614706.
GRN-related frontotemporal lobar degeneration with Tdp43 inclusions (FTD2). Also called: GRN Frontotemporal Dementia; FRONTOTEMPORAL DEMENTIA WITH TDP43 INCLUSIONS, GRN-RELATED; DEMENTIA, HEREDITARY DYSPHASIC DISINHIBITION; FRONTOTEMPORAL LOBAR DEGENERATION WITH UBIQUITIN-POSITIVE INCLUSIONS; FTLD-TDP, GRN-RELATED. Identifiers: Orphanet 100070, Orphanet 282, MedGen C1843792, MONDO:0011842, OMIM 607485. Disease mechanism: loss of function.

Allele frequency attached by ClinVar (database versions not stated): gnomAD exomes 0.00001; ExAC 0.00002.
gnomAD v4.1: 4 of 1,614,086 alleles (0.00025%); highest among the groups gnomAD compares: Admixed American, 0.0067%; no homozygotes.

Submissions (2):

Women's Health and Genetics/Laboratory Corporation of America, LabCorp
Classification: Uncertain significance. Last evaluated: 2025-05-27. Review status: criteria provided, single submitter. Criteria: LabCorp Variant Classification Summary - May 2015. Collection method: clinical testing. Allele origin: germline.
Comment: Variant summary: GRN c.817A>G (p.Lys273Glu) results in a conservative amino acid change in the encoded protein sequence. Algorithms developed to predict the effect of missense changes on protein structure and function are either unavailable or do not agree on the potential impact of this missense change. The variant allele was found at a frequency of 2e-05 in 251316 control chromosomes. The available data on variant occurrences in the general population are insufficient to allow any conclusion about variant significance. To our knowledge, no occurrence of c.817A>G in individuals affected with Neuronal ceroid lipofuscinosis 11 and no experimental evidence demonstrating its impact on protein function have been reported. ClinVar contains an entry for this variant (Variation ID: 1952269). Based on the evidence outlined above, the variant was classified as uncertain significance.

Labcorp Genetics (formerly Invitae), Labcorp
Classification: Uncertain significance for Neuronal ceroid lipofuscinosis 11; GRN-related frontotemporal lobar degeneration with Tdp43 inclusions. Last evaluated: 2022-08-08. Review status: criteria provided, single submitter. Criteria: Invitae Variant Classification Sherloc (09022015). Collection method: clinical testing. Allele origin: germline.
Comment: This sequence change replaces lysine, which is basic and polar, with glutamic acid, which is acidic and polar, at codon 273 of the GRN protein (p.Lys273Glu). This variant is present in population databases (rs775409489, gnomAD 0.009%). In summary, the available evidence is currently insufficient to determine the role of this variant in disease. Therefore, it has been classified as a Variant of Uncertain Significance. Algorithms developed to predict the effect of missense changes on protein structure and function (SIFT, PolyPhen-2, Align-GVGD) all suggest that this variant is likely to be tolerated. This variant has not been reported in the literature in individuals affected with GRN-related conditions.